The following is an entry in ClinVar:

ClinVar aggregate classification (germline): Uncertain significance (1 of 4 stars; one submission).

Conditions:
Cataract 48. Identifiers: MedGen C5193082, MONDO:0032735, OMIM 618415.

Submission:

Juno Genomics, Hangzhou Juno Genomics, Inc
Classification: Uncertain significance for Cataract 48. Review status: criteria provided, single submitter. Criteria: ACMG Guidelines, 2015. Collection method: clinical testing. Allele origin: germline.
Comment: Null variant in a gene where loss of function (LOF) is a known mechanism of disease.;Absent from controls (or at extremely low frequency if recessive) in Genome Aggregation Database.

NM_015221.4(DNMBP):c.561dup (p.Glu188fs)

Genes: DNMBP (dynamin binding protein; minus strand), DNMBP-AS1 (DNMBP antisense RNA 1; plus strand). Cytogenetic location: 10q24.2.
Variant type: Duplication.
Coding change: c.561dup on transcript NM_015221.4 (MANE Select); coding-DNA position 561, one base duplicated (A; older notation c.561dupA).
Protein change: p.Glu188fs; shifts the reading frame from glutamic acid 188.
Molecular consequence: frameshift variant. On other transcripts: non-coding transcript variant (2).
Genome position (GRCh38, 1-based): chr10:99,956,913, T duplicated on the plus strand (A on the coding strand, the reverse complement: DNMBP is on the minus strand). VCF-style (leftmost placement, unchanged base first): chr10-99956912-C-CT. GRCh37 (hg19) VCF-style: chr10-101716669-C-CT.
Other names: c.561dup, p.Glu188fs (NM_001441287.1, NM_001441288.1); short protein forms E188fs.
Identifiers: ClinVar variation 5007761 (VCV005007761.2).